The following is an entry in ClinVar:

ClinVar aggregate classification (germline): Uncertain significance (1 of 4 stars; one submission).

Conditions:
CTCF-related neurodevelopmental disorder. Also called: INTELLECTUAL DEVELOPMENTAL DISORDER, AUTOSOMAL DOMINANT 21; Intellectual disability-feeding difficulties-developmental delay-microcephaly syndrome. Identifiers: Orphanet 363611, MedGen C3809686, MONDO:0014213, OMIM 615502.

Allele frequency attached by ClinVar (database versions not stated): gnomAD exomes below 0.00001.
gnomAD v4.1: 1 of 1,614,144 alleles (0.000062%); highest among the groups gnomAD compares: Admixed American, 0.0017%; no homozygotes.

Submission:

New York Genome Center
Classification: Uncertain significance for CTCF-related neurodevelopmental disorder. Last evaluated: 2020-07-09. Review status: criteria provided, single submitter. Criteria: NYGC Assertion Criteria 2020. Collection method: clinical testing. Allele origin: germline. Observed: 1 heterozygote. Study: CSER-NYCKidSeq.
Comment: The heterozygous p.Thr177Ala missense variant identified in the CTCF gene has not been reported in affected individuals in the literature and is absent from gnomAD(v3) database indicating it is an extremely rare allele in the populations represented in gnomAD. The affected residue is moderately conserved. In Silico prediction tools provide conflicting interpretations about potential pathogenicity of this variant. Experimental studies are required to evaluate functional consequences of this variant. Based on thecurrent evidence, the p.Thr177Ala variant in the CTCF gene is assessed as a variant of uncertain significance.

NM_006565.4(CTCF):c.529A>G (p.Thr177Ala)

Gene: CTCF (CCCTC-binding factor; plus strand). Cytogenetic location: 16q22.1.
Variant type: single nucleotide variant.
Coding change: c.529A>G on transcript NM_006565.4 (MANE Select); coding-DNA position 529, A replaced by G.
Protein change: p.Thr177Ala; replaces threonine 177 with alanine.
Molecular consequence: missense variant. On other transcripts: intron variant (1).
Genome position (GRCh38, 1-based): chr16:67,611,361, A>G. VCF-style: chr16-67611361-A-G. GRCh37 (hg19) VCF-style: chr16-67645264-A-G.
Other names: c.529A>G, p.Thr177Ala (NM_001363916.2); c.-32-5384A>G (NM_001191022.2); short protein forms T177A.
Identifiers: ClinVar variation 1341706 (VCV001341706.1), dbSNP rs1430339540, ClinGen allele CA396306139.